The following is an entry in ClinVar:

NM_173651.4(FSIP2):c.1683G>A (p.Thr561=)

Genes: FSIP2 (fibrous sheath interacting protein 2; plus strand), FSIP2-AS1 (FSIP2 antisense RNA 1; minus strand). Cytogenetic location: 2q32.1.
Variant type: single nucleotide variant.
Coding change: c.1683G>A on transcript NM_173651.4 (MANE Select); coding-DNA position 1683, G replaced by A.
Protein change: p.Thr561=; no amino-acid change (threonine 561 retained).
Molecular consequence: synonymous variant. On other transcripts: non-coding transcript variant (2).
Genome position (GRCh38, 1-based): chr2:185,788,819, G>A. VCF-style: chr2-185788819-G-A. GRCh37 (hg19) VCF-style: chr2-186653546-G-A.
Identifiers: ClinVar variation 3059073 (VCV003059073.2), dbSNP rs3752671, ClinGen allele CA2016546.

ClinVar aggregate classification (germline): Benign (0 of 4 stars; one submission).

Conditions:
FSIP2-related disorder. Also called: FSIP2-related condition.

Allele frequency attached by ClinVar (database versions not stated): 1000 Genomes Project 0.08806; 1000 Genomes Project 30x 0.08838; ExAC 0.09668; gnomAD 0.11095; TOPMed 0.11198; gnomAD exomes 0.11429.
gnomAD v4.1: 174,316 of 1,534,052 alleles (11%); highest among the groups gnomAD compares: Middle Eastern, 14%; 10,363 homozygotes.

Submission:

PreventionGenetics, part of Exact Sciences
Classification: Benign for FSIP2-related condition. Last evaluated: 2019-10-17. Review status: no assertion criteria provided. Collection method: clinical testing. Allele origin: germline.
Comment: This variant is classified as benign based on ACMG/AMP sequence variant interpretation guidelines (Richards et al. 2015 PMID: 25741868, with internal and published modifications).